The following is an entry in ClinVar:

ClinVar aggregate classification (germline): Uncertain significance. Review status: criteria provided, multiple submitters, no conflicts (2 of 4 stars). 4 submissions from 4 submitters: Uncertain significance (3). 1 of the submissions does not count toward it. Last evaluated 2025-08-30.

Conditions:
COL11A1-related disorder. Also called: COL11A1-related condition; COL11A1-related disorders.
Inborn genetic diseases. Identifiers: MedGen C0950123, MeSH D030342.

Allele frequency attached by ClinVar (database versions not stated): gnomAD exomes below 0.00001 and 0.00001; gnomAD 0.00001; TOPMed 0.00002.
gnomAD v4.1: 14 of 1,613,100 alleles (0.00087%); highest among the groups gnomAD compares: Non-Finnish European, 0.0011%; no homozygotes.

Submissions (4):

Labcorp Genetics (formerly Invitae), Labcorp
Classification: Uncertain significance. Last evaluated: 2025-08-30. Review status: criteria provided, single submitter. Criteria: Invitae Variant Classification Sherloc (09022015). Collection method: clinical testing. Allele origin: germline.
Comment: This sequence change replaces proline, which is neutral and non-polar, with threonine, which is neutral and polar, at codon 1292 of the COL11A1 protein (p.Pro1292Thr). The frequency data for this variant in the population databases is considered unreliable, as metrics indicate poor data quality at this position in the gnomAD database. This variant has not been reported in the literature in individuals affected with COL11A1-related conditions. ClinVar contains an entry for this variant (Variation ID: 1424069). Invitae Evidence Modeling of protein sequence and biophysical properties (such as structural, functional, and spatial information, amino acid conservation, physicochemical variation, residue mobility, and thermodynamic stability) indicates that this missense variant is not expected to disrupt COL11A1 protein function with a negative predictive value of 80%. In summary, the available evidence is currently insufficient to determine the role of this variant in disease. Therefore, it has been classified as a Variant of Uncertain Significance.

Ambry Genetics
Classification: Uncertain significance for Inborn genetic diseases. Last evaluated: 2025-08-08. Review status: criteria provided, single submitter. Criteria: Ambry Variant Classification Scheme 2023. Collection method: clinical testing. Allele origin: germline.

Blueprint Genetics
Classification: Uncertain significance. Last evaluated: 2024-03-13. Review status: criteria provided, single submitter. Criteria: ACMG Guidelines, 2015. Collection method: clinical testing. Allele origin: germline.

PreventionGenetics, part of Exact Sciences
Classification: Uncertain significance for COL11A1-related condition. Last evaluated: 2023-10-28. Review status: no assertion criteria provided. Collection method: clinical testing. Allele origin: germline. Not counted in ClinVar's aggregate classification.
Comment: The COL11A1 c.3874C>A variant is predicted to result in the amino acid substitution p.Pro1292Thr. To our knowledge, this variant has not been reported in the literature. This variant is reported in 0.00088% of alleles in individuals of European (Non-Finnish) descent in gnomAD. At this time, the clinical significance of this variant is uncertain due to the absence of conclusive functional and genetic evidence.

NM_001854.4(COL11A1):c.3874C>A (p.Pro1292Thr)

Gene: COL11A1 (collagen type XI alpha 1 chain; minus strand). Cytogenetic location: 1p21.1.
Variant type: single nucleotide variant.
Coding change: c.3874C>A on transcript NM_001854.4 (MANE Select); coding-DNA position 3874, C replaced by A.
Protein change: p.Pro1292Thr; replaces proline 1292 with threonine.
Molecular consequence: missense variant. On other transcripts: non-coding transcript variant (1).
Genome position (GRCh38, 1-based): chr1:102,914,754, G>T on the plus strand (C>A on the coding strand, the complement: COL11A1 is on the minus strand). VCF-style: chr1-102914754-G-T. GRCh37 (hg19) VCF-style: chr1-103380310-G-T.
Other names: c.3757C>A, p.Pro1253Thr (NM_001190709.2); c.3910C>A, p.Pro1304Thr (NM_080629.3); c.3526C>A, p.Pro1176Thr (NM_080630.4); c.3874C>A (NM_001854.3); short protein forms P1176T, P1253T, P1304T, P1292T.
Identifiers: ClinVar variation 1424069 (VCV001424069.11), dbSNP rs1271972029, ClinGen allele CA341161427.
Genomic context (GRCh38, chr1:102,914,754, plus strand): 5'-ACTCACTTACCGGGTTACCCTTAGGGCCATCATCACCTGGTGGCCCCTTGGCACCTGGAG[G>T]TCCAGCAGCTCCAGGTGGACCAGCTTCCCCTTTCTCTCCTCTTTCTCCTTTGGGACCCTA-3'
Protein context (NP_001845.3, residues 1282-1302): GEAGPPGAAG[Pro1292Thr]PGAKGPPGDD